The following is an entry in ClinVar:

ClinVar aggregate classification (germline): Uncertain significance. Review status: criteria provided, multiple submitters, no conflicts (2 of 4 stars). 3 submissions from 3 submitters: Uncertain significance (3). Last evaluated 2024-03-09.

Conditions:
Lynch syndrome. Identifiers: Orphanet 144, MedGen C4552100, MONDO:0005835. Disease mechanism: loss of function.
Hereditary nonpolyposis colorectal neoplasms. Identifiers: MedGen C0009405, MeSH D003123.
Hereditary cancer-predisposing syndrome. Also called: Tumor predisposition; Hereditary Cancer Syndrome; Hereditary neoplastic syndrome; Neoplastic Syndromes, Hereditary. Identifiers: Orphanet 140162, MedGen C0027672, MeSH D009386, MONDO:0015356.

Submissions (3):

Ambry Genetics
Classification: Uncertain significance for Hereditary cancer-predisposing syndrome. Last evaluated: 2024-03-09. Review status: criteria provided, single submitter. Criteria: Ambry Variant Classification Scheme 2023. Collection method: clinical testing. Allele origin: germline.
Comment: The p.A626P variant (also known as c.1876G>C), located in coding exon 11 of the PMS2 gene, results from a G to C substitution at nucleotide position 1876. The alanine at codon 626 is replaced by proline, an amino acid with highly similar properties. This amino acid position is conserved. In addition, this alteration is predicted to be tolerated by in silico analysis. Based on the available evidence, the clinical significance of this alteration remains unclear.

All of Us Research Program, National Institutes of Health
Classification: Uncertain significance for Lynch syndrome. Last evaluated: 2024-01-03. Review status: criteria provided, single submitter. Criteria: ACMG Guidelines, 2015. Collection method: clinical testing. Allele origin: germline. Inheritance: Autosomal dominant inheritance. Observed: 1 variant allele, 1 heterozygote.
Comment: This missense variant replaces alanine with proline at codon 626 of the PMS2 protein. Computational prediction suggests that this variant may not impact protein structure and function (internally defined REVEL score threshold <= 0.5, PMID: 27666373). To our knowledge, functional studies have not been reported for this variant. This variant has not been reported in individuals affected with PMS2-related disorders in the literature. This variant has not been identified in the general population by the Genome Aggregation Database (gnomAD). The available evidence is insufficient to determine the role of this variant in disease conclusively. Therefore, this variant is classified as a Variant of Uncertain Significance.

This study involves interpretation of variants in research participants for the purpose of population health screening. Participant phenotype was not available at the time of variant classification. Additional details can be found in publication PMID: 35346344, PMCID: PMC8962531

Labcorp Genetics (formerly Invitae), Labcorp
Classification: Uncertain significance for Hereditary nonpolyposis colorectal neoplasms. Last evaluated: 2023-07-08. Review status: criteria provided, single submitter. Criteria: Invitae Variant Classification Sherloc (09022015). Collection method: clinical testing. Allele origin: germline.
Comment: In summary, the available evidence is currently insufficient to determine the role of this variant in disease. Therefore, it has been classified as a Variant of Uncertain Significance. Advanced modeling of protein sequence and biophysical properties (such as structural, functional, and spatial information, amino acid conservation, physicochemical variation, residue mobility, and thermodynamic stability) has been performed at Invitae for this missense variant, however the output from this modeling did not meet the statistical confidence thresholds required to predict the impact of this variant on PMS2 protein function. ClinVar contains an entry for this variant (Variation ID: 91319). This variant has not been reported in the literature in individuals affected with PMS2-related conditions. This variant is not present in population databases (gnomAD no frequency). This sequence change replaces alanine, which is neutral and non-polar, with proline, which is neutral and non-polar, at codon 626 of the PMS2 protein (p.Ala626Pro).

NM_000535.7(PMS2):c.1876G>C (p.Ala626Pro)

Gene: PMS2 (PMS1 homolog 2, mismatch repair system component; minus strand). Cytogenetic location: 7p22.1.
Variant type: single nucleotide variant.
Coding change: c.1876G>C on transcript NM_000535.7 (MANE Select); coding-DNA position 1876, G replaced by C.
Protein change: p.Ala626Pro; replaces alanine 626 with proline.
Molecular consequence: missense variant. On other transcripts: non-coding transcript variant (1).
Genome position (GRCh38, 1-based): chr7:5,986,889, C>G on the plus strand (G>C on the coding strand, the complement: PMS2 is on the minus strand). VCF-style: chr7-5986889-C-G. GRCh37 (hg19) VCF-style: chr7-6026520-C-G.
Other names: c.1471G>C, p.Ala491Pro (NM_001322003.2, NM_001322004.2, NM_001322005.2 and 1 more transcripts); c.1720G>C, p.Ala574Pro (NM_001322006.2); c.1558G>C, p.Ala520Pro (NM_001322007.2, NM_001322008.2); c.1315G>C, p.Ala439Pro (NM_001322010.2); c.943G>C, p.Ala315Pro (NM_001322011.2, NM_001322012.2); c.1303G>C, p.Ala435Pro (NM_001322013.2); c.1876G>C, p.Ala626Pro (NM_001322014.2); c.1567G>C, p.Ala523Pro (NM_001322015.2); short protein forms A626P, A439P, A520P, A523P, A435P, A574P, A315P, A491P.
Identifiers: ClinVar variation 91319 (VCV000091319.12), dbSNP rs587779331, ClinGen allele CA010385.
Genomic context (GRCh38, chr7:5,986,889, plus strand): 5'-TGTAATTCTGTTCCCCTTCACTTTGCTGTGCTTCATGATGTAACTGCTTTATTCGTTTAG[C>G]TAAAGAACTCATAGAAAAGTCCAGGGGCACAACTTTCTTATTAATTTTCACAGCTACATC-3'
Protein context (NP_000526.2, residues 616-636): VPLDFSMSSL[Ala626Pro]KRIKQLHHEA